The following is an entry in ClinVar:

NM_015559.3(SETBP1):c.113T>C (p.Leu38Ser)

Gene: SETBP1 (SET binding protein 1; plus strand). Cytogenetic location: 18q12.3.
Variant type: single nucleotide variant.
Coding change: c.113T>C on transcript NM_015559.3 (MANE Select); coding-DNA position 113, T replaced by C.
Protein change: p.Leu38Ser; replaces leucine 38 with serine.
Molecular consequence: missense variant.
Genome position (GRCh38, 1-based): chr18:44,701,459, T>C. VCF-style: chr18-44701459-T-C. GRCh37 (hg19) VCF-style: chr18-42281424-T-C.
Other names: c.113T>C, p.Leu38Ser (NM_001130110.2, NM_001379141.1, NM_001379142.1 and 1 more transcripts); short protein forms L38S.
Identifiers: ClinVar variation 2011435 (VCV002011435.4), dbSNP rs2069114561, ClinGen allele CA402481460.

ClinVar aggregate classification (germline): Uncertain significance (1 of 4 stars; one submission).

Allele frequency attached by ClinVar (database versions not stated): TOPMed below 0.00001.

Submission:

Labcorp Genetics (formerly Invitae), Labcorp
Classification: Uncertain significance. Last evaluated: 2022-06-27. Review status: criteria provided, single submitter. Criteria: Invitae Variant Classification Sherloc (09022015). Collection method: clinical testing. Allele origin: germline.
Comment: This sequence change replaces leucine, which is neutral and non-polar, with serine, which is neutral and polar, at codon 38 of the SETBP1 protein (p.Leu38Ser). In summary, the available evidence is currently insufficient to determine the role of this variant in disease. Therefore, it has been classified as a Variant of Uncertain Significance. Algorithms developed to predict the effect of missense changes on protein structure and function are either unavailable or do not agree on the potential impact of this missense change (SIFT: "Deleterious"; PolyPhen-2: "Possibly Damaging"; Align-GVGD: "Class C0"). This variant has not been reported in the literature in individuals affected with SETBP1-related conditions. This variant is not present in population databases (gnomAD no frequency).